The following continues an entry in ClinVar:

NM_001048174.2(MUTYH):c.1087C>T (p.Gln363Ter)

Gene: MUTYH. ClinVar aggregate classification (germline): Pathogenic. Pathogenic (12).

Submissions 17 to 19 of 19:

Department of Pathology and Laboratory Medicine, Sinai Health System
Classification: Pathogenic for Carcinoma of colon. Review status: no assertion criteria provided. Collection method: clinical testing. Allele origin: unknown. Affected: yes. Study: The Canadian Open Genetics Repository (COGR). Not counted in ClinVar's aggregate classification.
Comment: The MUTYH p.Gln391X variant was identified in 4 of 1188 proband chromosomes (frequency: 0.003) from individuals or families with colorectal cancer (Jones 2009, Vogt 2009, Win 2011). The variant was also identified in dbSNP (ID: rs587783057) as With Pathogenic allele, ClinVar (classified as pathogenic by Counsyl, GeneDx, Invitae, Pathway Genomics), Clinvitae (classified as pathogenic by ClinVar, Invitae (alias c.1129C>T)), UMD-LSDB (22X causal), Insight Colon Cancer Gene Variant Database (classified as probably pathogenic), databases. The variant was not identified in Genesight-COGR, databases. The variant was identified in control databases in 4 of 245576 chromosomes at a frequency of 0.000016 (Genome Aggregation Database Feb 27, 2017). Breakdown of the observations by population include EuropeanNon-Finnish in 4 of 111460 chromosomes (freq: 0.000036), while the variant was not observed in the African, Other, Latino, AshkenaziJewish, EastAsian, EuropeanFinnish, and SouthAsian populations. The c.1171C>T variant leads to a premature stop codon at position 391 which is predicted to lead to a truncated or absent protein and loss of function. Loss of function variants of the MUTYH gene are an established mechanism of disease in MUTYH-associated polyposis and is the type of variant expected to cause the disorder. In summary, based on the above information, this variant meets our laboratoryâ€šÃ„Ã´s criteria to be classified as pathogenic.

Joint Genome Diagnostic Labs from Nijmegen and Maastricht, Radboudumc and MUMC+
Classification: Pathogenic. Review status: no assertion criteria provided. Collection method: clinical testing. Allele origin: germline. Affected: yes. Study: VKGL Data-share Consensus. Not counted in ClinVar's aggregate classification.

Laboratory of Diagnostic Genome Analysis, Leiden University Medical Center (LUMC)
Classification: Pathogenic. Review status: no assertion criteria provided. Collection method: clinical testing. Allele origin: germline. Affected: yes. Study: VKGL Data-share Consensus. Not counted in ClinVar's aggregate classification.

Literature cited by the submitters: PubMed 18534194 (cited by 5 submitters); PubMed 16140997 (cited by 5 submitters); PubMed 19732775 (cited by 6 submitters); PubMed 20663686 (cited by Labcorp Genetics (formerly Invitae), Labcorp and Dasa); PubMed 24444654 (cited by 3 submitters); PubMed 18564191 (cited by Color Diagnostics, LLC DBA Color Health); PubMed 27829682 (cited by Color Diagnostics, LLC DBA Color Health and Ambry Genetics); PubMed 16557584 (cited by Dasa and Pathway Genomics); PubMed 17219385 (cited by Dasa and Counsyl); PubMed 36988593 (cited by Laboratory for Genotyping Development, RIKEN); PubMed 22402879 (cited by Counsyl); PubMed 19245865 (cited by Counsyl and Pathway Genomics); PubMed 25525159 (cited by Counsyl); PubMed 17949294 (cited by Counsyl); PubMed 19531215 (cited by Counsyl and Pathway Genomics).